The following is an entry in ClinVar:

ClinVar aggregate classification (germline): Uncertain significance (1 of 4 stars; one submission).

Submission:

Labcorp Genetics (formerly Invitae), Labcorp
Classification: Uncertain significance. Last evaluated: 2019-10-22. Review status: criteria provided, single submitter. Criteria: Invitae Variant Classification Sherloc (09022015). Collection method: clinical testing. Allele origin: germline.
Comment: This sequence change replaces valine with leucine at codon 134 of the RBP4 protein (p.Val134Leu). The valine residue is weakly conserved and there is a small physicochemical difference between valine and leucine. This variant is not present in population databases (ExAC no frequency). This variant has not been reported in the literature in individuals with RBP4-related conditions. Algorithms developed to predict the effect of missense changes on protein structure and function output the following: SIFT: "Tolerated"; PolyPhen-2: "Not Available"; Align-GVGD: "Class C0". The leucine amino acid residue is found in multiple mammalian species, suggesting that this missense change does not adversely affect protein function. These predictions have not been confirmed by published functional studies and their clinical significance is uncertain. In summary, the available evidence is currently insufficient to determine the role of this variant in disease. Therefore, it has been classified as a Variant of Uncertain Significance.

NM_006744.4(RBP4):c.399_400delinsTT (p.Val134Leu)

Gene: RBP4 (retinol binding protein 4; minus strand). Cytogenetic location: 10q23.33.
Variant type: Indel.
Coding change: c.399_400delinsTT on transcript NM_006744.4 (MANE Select); coding-DNA positions 399 to 400, CG replaced by TT.
Protein change: p.Val134Leu; replaces valine 134 with leucine.
Molecular consequence: missense variant.
Genome position (GRCh38, 1-based): chr10:93,593,991-93,593,992, CG replaced by AA on the plus strand (CG replaced by TT on the coding strand, the reverse complement: RBP4 is on the minus strand). VCF-style: chr10-93593991-CG-AA. GRCh37 (hg19) VCF-style: chr10-95353748-CG-AA.
Other names: c.399_400delinsTT, p.Val134Leu (NM_001323517.1); c.393_394delinsTT, p.Val132Leu (NM_001323518.2); short protein forms V132L, V134L.
Identifiers: ClinVar variation 965902 (VCV000965902.8), dbSNP rs2058286037, ClinGen allele CA1139661623.